The following is an entry in ClinVar:

NM_004260.4(RECQL4):c.1229A>C (p.Asp410Ala)

Gene: RECQL4 (RecQ like helicase 4; minus strand). Cytogenetic location: 8q24.3.
Variant type: single nucleotide variant.
Coding change: c.1229A>C on transcript NM_004260.4 (MANE Select); coding-DNA position 1229, A replaced by C.
Protein change: p.Asp410Ala; replaces aspartic acid 410 with alanine.
Molecular consequence: missense variant. On other transcripts: synonymous variant (5), non-coding transcript variant (3), intron variant (1).
Genome position (GRCh38, 1-based): chr8:144,515,793, T>G on the plus strand (A>C on the coding strand, the complement: RECQL4 is on the minus strand). VCF-style: chr8-144515793-T-G. GRCh37 (hg19) VCF-style: chr8-145741177-T-G.
Other names: c.1133A>C, p.Asp378Ala (NM_001413017.1, NM_001413020.1); c.1229A>C, p.Asp410Ala (NM_001413018.1, NM_001413019.1, NM_001413033.1 and 2 more transcripts); c.158A>C, p.Asp53Ala (NM_001413021.1, NM_001413022.1, NM_001413023.1 and 8 more transcripts); c.1100A>C, p.Asp367Ala (NM_001413025.1); c.96A>C, p.Arg32= (NM_001413027.1, NM_001413030.1, NM_001413031.1 and 2 more transcripts); c.878A>C, p.Asp293Ala (NM_001413029.1); c.-210+195A>C (NM_001413043.1); short protein forms D293A, D53A, D367A, D378A, D410A.
Identifiers: ClinVar variation 3944282 (VCV003944282.1).

ClinVar aggregate classification (germline): Uncertain significance (1 of 4 stars; one submission).

Conditions:
Inborn genetic diseases. Identifiers: MedGen C0950123, MeSH D030342.

Submission:

Ambry Genetics
Classification: Uncertain significance for Inborn genetic diseases. Last evaluated: 2025-04-14. Review status: criteria provided, single submitter. Criteria: Ambry Variant Classification Scheme 2023. Collection method: clinical testing. Allele origin: germline.
Comment: The p.D410A variant (also known as c.1229A>C), located in coding exon 6 of the RECQL4 gene, results from an A to C substitution at nucleotide position 1229. The aspartic acid at codon 410 is replaced by alanine, an amino acid with dissimilar properties. This amino acid position is conserved. In addition, this alteration is predicted to be tolerated by in silico analysis. Based on the available evidence, the clinical significance of this variant remains unclear.